The following is an entry in ClinVar:

ClinVar aggregate classification (germline): Uncertain significance. Review status: criteria provided, multiple submitters, no conflicts (2 of 4 stars). 2 submissions from 2 submitters: Uncertain significance (2). Last evaluated 2024-05-05.

Allele frequency attached by ClinVar (database versions not stated): gnomAD exomes below 0.00001 and 0.00001; TOPMed below 0.00001; gnomAD 0.00001.
gnomAD v4.1: 4 of 1,614,068 alleles (0.00025%); highest among the groups gnomAD compares: Admixed American, 0.005%; no homozygotes.

Submissions (2):

Women's Health and Genetics/Laboratory Corporation of America, LabCorp
Classification: Uncertain significance. Last evaluated: 2024-05-05. Review status: criteria provided, single submitter. Criteria: LabCorp Variant Classification Summary - May 2015. Collection method: clinical testing. Allele origin: germline.
Comment: Variant summary: OCA2 c.2197G>C (p.Ala733Pro) results in a non-conservative amino acid change located in the Citrate transporter-like domain (IPR004680) of the encoded protein sequence. Five of five in-silico tools predict a damaging effect of the variant on protein function. The variant allele was found at a frequency of 1.2e-05 in 251368 control chromosomes. The available data on variant occurrences in the general population are insufficient to allow any conclusion about variant significance. c.2197G>C has been reported in the literature in at least one compound heterozygous individual affected with Oculocutaneous Albinism (Mauri_2017). These data do not allow any conclusion about variant significance. To our knowledge, no experimental evidence demonstrating an impact on protein function has been reported. The following publication has been ascertained in the context of this evaluation (PMID: 27734839). ClinVar contains an entry for this variant (Variation ID: 1504004). Based on the evidence outlined above, the variant was classified as uncertain significance.

Labcorp Genetics (formerly Invitae), Labcorp
Classification: Uncertain significance. Last evaluated: 2021-09-17. Review status: criteria provided, single submitter. Criteria: Invitae Variant Classification Sherloc (09022015). Collection method: clinical testing. Allele origin: germline.
Comment: This sequence change replaces alanine with proline at codon 733 of the OCA2 protein (p.Ala733Pro). The alanine residue is highly conserved and there is a small physicochemical difference between alanine and proline. This variant is not present in population databases (ExAC no frequency). This variant has been observed in individual(s) with clinical features of oculocutaneous albinism (PMID: 27734839). Advanced modeling of protein sequence and biophysical properties (such as structural, functional, and spatial information, amino acid conservation, physicochemical variation, residue mobility, and thermodynamic stability) performed at Invitae indicates that this missense variant is expected to disrupt OCA2 protein function. In summary, the available evidence is currently insufficient to determine the role of this variant in disease. Therefore, it has been classified as a Variant of Uncertain Significance.

Literature cited by the submitters: PubMed 27734839 (cited by Women's Health and Genetics/Laboratory Corporation of America, LabCorp and Labcorp Genetics (formerly Invitae), Labcorp).

NM_000275.3(OCA2):c.2197G>C (p.Ala733Pro)

Gene: OCA2 (OCA2 melanosomal transmembrane protein; minus strand). Cytogenetic location: 15q13.1.
Variant type: single nucleotide variant.
Coding change: c.2197G>C on transcript NM_000275.3 (MANE Select); coding-DNA position 2197, G replaced by C.
Protein change: p.Ala733Pro; replaces alanine 733 with proline.
Molecular consequence: missense variant.
Genome position (GRCh38, 1-based): chr15:27,871,201, C>G on the plus strand (G>C on the coding strand, the complement: OCA2 is on the minus strand). VCF-style: chr15-27871201-C-G. GRCh37 (hg19) VCF-style: chr15-28116347-C-G.
Other names: c.2125G>C, p.Ala709Pro (NM_001300984.2); short protein forms A733P, A709P.
Identifiers: ClinVar variation 1504004 (VCV001504004.6), dbSNP rs1378080763, ClinGen allele CA391363413.